The following is an entry in ClinVar:

NM_001370466.1(NOD2):c.1564C>A (p.His522Asn)

Gene: NOD2 (nucleotide binding oligomerization domain containing 2; plus strand). Cytogenetic location: 16q12.1.
Variant type: single nucleotide variant.
Coding change: c.1564C>A on transcript NM_001370466.1 (MANE Select); coding-DNA position 1564, C replaced by A.
Protein change: p.His522Asn; replaces histidine 522 with asparagine.
Molecular consequence: missense variant. On other transcripts: non-coding transcript variant (1).
Genome position (GRCh38, 1-based): chr16:50,711,556, C>A. VCF-style: chr16-50711556-C-A. GRCh37 (hg19) VCF-style: chr16-50745467-C-A.
Other names: c.1564C>A, p.His522Asn (NM_001293557.2); c.1645C>A, p.His549Asn (NM_022162.3); short protein forms H522N, H549N.
Identifiers: ClinVar variation 1016647 (VCV001016647.9), dbSNP rs1964506383, ClinGen allele CA395869327.

ClinVar aggregate classification (germline): Uncertain significance (1 of 4 stars; one submission).

Conditions:
Blau syndrome (BLAUS). Also called: ARTHROCUTANEOUVEAL GRANULOMATOSIS; GRANULOMATOSIS, FAMILIAL JUVENILE SYSTEMIC; GRANULOMATOSIS, FAMILIAL, BLAU TYPE; GRANULOMATOUS INFLAMMATORY ARTHRITIS, DERMATITIS, AND UVEITIS, FAMILIAL; JABS SYNDROME. Identifiers: Orphanet 90340, MedGen C5201146, MONDO:0008523, OMIM 186580.
Regional enteritis. Also called: Enteritis, Granulomatous. Identifiers: MedGen C0678202, MeSH D003424.

Submission:

Labcorp Genetics (formerly Invitae), Labcorp
Classification: Uncertain significance for Regional enteritis; Blau syndrome. Last evaluated: 2020-03-03. Review status: criteria provided, single submitter. Criteria: Invitae Variant Classification Sherloc (09022015). Collection method: clinical testing. Allele origin: germline.
Comment: This sequence change replaces histidine with asparagine at codon 549 of the NOD2 protein (p.His549Asn). The histidine residue is moderately conserved and there is a small physicochemical difference between histidine and asparagine. This variant is not present in population databases (ExAC no frequency). This variant has not been reported in the literature in individuals with NOD2-related conditions. Algorithms developed to predict the effect of missense changes on protein structure and function (SIFT, PolyPhen-2, Align-GVGD) all suggest that this variant is likely to be tolerated, but these predictions have not been confirmed by published functional studies and their clinical significance is uncertain. In summary, the available evidence is currently insufficient to determine the role of this variant in disease. Therefore, it has been classified as a Variant of Uncertain Significance.